The following is an entry in ClinVar:

NM_012062.5(DNM1L):c.1949T>G (p.Leu650Arg)

Gene: DNM1L (dynamin 1 like; plus strand). Cytogenetic location: 12p11.21.
Variant type: single nucleotide variant.
Coding change: c.1949T>G on transcript NM_012062.5 (MANE Select); coding-DNA position 1949, T replaced by G.
Protein change: p.Leu650Arg; replaces leucine 650 with arginine.
Molecular consequence: missense variant.
Genome position (GRCh38, 1-based): chr12:32,740,473, T>G. VCF-style: chr12-32740473-T-G. GRCh37 (hg19) VCF-style: chr12-32893407-T-G.
Other names: c.1916T>G, p.Leu639Arg (NM_001278463.2); c.1988T>G, p.Leu663Arg (NM_001278464.2); c.1955T>G, p.Leu652Arg (NM_001278465.2); c.1340T>G, p.Leu447Arg (NM_001278466.2); c.1877T>G, p.Leu626Arg (NM_001330380.2); c.1838T>G, p.Leu613Arg (NM_005690.5); c.1871T>G, p.Leu624Arg (NM_012063.4); short protein forms L447R, L613R, L624R, L626R, L639R, L650R, L652R, L663R.
Identifiers: ClinVar variation 4293670 (VCV004293670.1).

ClinVar aggregate classification (germline): Likely pathogenic (1 of 4 stars; one submission).

Conditions:
Encephalopathy, lethal, due to defective mitochondrial peroxisomal fission 1. Identifiers: Orphanet 330050, MedGen C3280660, MONDO:0013726, OMIM 614388.

Submission:

3billion
Classification: Likely pathogenic for Encephalopathy, lethal, due to defective mitochondrial peroxisomal fission 1. Last evaluated: 2024-08-13. Review status: criteria provided, single submitter. Criteria: ACMG Guidelines, 2015. Collection method: clinical testing. Allele origin: germline. Affected: yes.
Comment: The variant is not observed in the gnomAD v4.0.0 dataset. Predicted Consequence/Location: Missense changes are a common disease-causing mechanism. In silico tool predictions suggest damaging effect of the variant on gene or gene product [REVEL: 0.66 (>=0.6, sensitivity 0.68 and specificity 0.92); 3Cnet: 0.96 (>=0.6, sensitivity 0.72 and precision 0.9)]. The same nucleotide change resulting in the same amino acid change has been previously reported to be associated with DNM1L related disorder (PMID: 30952489). However, the evidence of pathogenicity is insufficient at this time. The variant has been previously reported as assumed (i.e. paternity and maternity not confirmed) de novo in at least one similarly affected unrelated individual (PMID: 30952489). Therefore, this variant is classified as Likely pathogenic according to the recommendation of ACMG/AMP guideline.

Literature cited by the submitters: PubMed 30952489.